The following is an entry in ClinVar:

NM_015404.4(WHRN):c.863G>A (p.Arg288Gln)

Gene: WHRN (whirlin; minus strand). Cytogenetic location: 9q32.
Variant type: single nucleotide variant.
Coding change: c.863G>A on transcript NM_015404.4 (MANE Select); coding-DNA position 863, G replaced by A.
Protein change: p.Arg288Gln; replaces arginine 288 with glutamine.
Molecular consequence: missense variant. On other transcripts: 5 prime UTR variant (1).
Genome position (GRCh38, 1-based): chr9:114,466,367, C>T on the plus strand (G>A on the coding strand, the complement: WHRN is on the minus strand). VCF-style: chr9-114466367-C-T. GRCh37 (hg19) VCF-style: chr9-117228647-C-T.
Other names: c.-287G>A (NM_001083885.3); c.863G>A, p.Arg288Gln (NM_001173425.2); short protein forms R288Q.
Identifiers: ClinVar variation 1345370 (VCV001345370.6), dbSNP rs377606858, ClinGen allele CA5206135.
Genomic context (GRCh38, chr9:114,466,367, plus strand): 5'-CCAGTGATGTAAATGCCAAGGCCGTACTCAGCTCCCCCACGGATCGTGAGGCCCAGGGAC[C>T]GGCCGTCCCCCAGCACCAGGTTCACCTGTCAGAGGGAGAGGATAACATTAGAGGGACTGG-3'
Protein context (NP_056219.3, residues 278-298): KKVNLVLGDG[Arg288Gln]SLGLTIRGGA

ClinVar aggregate classification (germline): Uncertain significance. Review status: criteria provided, multiple submitters, no conflicts (2 of 4 stars). 2 submissions from 2 submitters: Uncertain significance (2). Last evaluated 2024-09-23.

Allele frequency attached by ClinVar (database versions not stated): gnomAD 0.00002; TOPMed 0.00003; gnomAD exomes 0.00004 and 0.00005; ExAC 0.00005; ESP Exome Variant Server 0.00015.
gnomAD v4.1: 81 of 1,613,928 alleles (0.005%); highest among the groups gnomAD compares: Non-Finnish European, 0.0063%; no homozygotes.

Submissions (2):

Blueprint Genetics
Classification: Uncertain significance. Last evaluated: 2024-09-23. Review status: criteria provided, single submitter. Criteria: ACMG Guidelines, 2015. Collection method: clinical testing. Allele origin: germline.

Labcorp Genetics (formerly Invitae), Labcorp
Classification: Uncertain significance. Last evaluated: 2022-04-07. Review status: criteria provided, single submitter. Criteria: Invitae Variant Classification Sherloc (09022015). Collection method: clinical testing. Allele origin: germline.
Comment: This sequence change replaces arginine, which is basic and polar, with glutamine, which is neutral and polar, at codon 288 of the WHRN protein (p.Arg288Gln). This variant is present in population databases (rs377606858, gnomAD 0.009%). This variant has not been reported in the literature in individuals affected with WHRN-related conditions. Algorithms developed to predict the effect of missense changes on protein structure and function are either unavailable or do not agree on the potential impact of this missense change (SIFT: "Tolerated"; PolyPhen-2: "Possibly Damaging"; Align-GVGD: "Class C0"). In summary, the available evidence is currently insufficient to determine the role of this variant in disease. Therefore, it has been classified as a Variant of Uncertain Significance.